The following is an entry in ClinVar:

ClinVar aggregate classification (germline): Likely pathogenic (1 of 4 stars; one submission).

Conditions:
Charlevoix-Saguenay spastic ataxia (SACS). Also called: AUTOSOMAL RECESSIVE SPASTIC ATAXIA OF CHARLEVOIX-SAGUENAY; Spastic ataxia of Charlevoix-Saguenay; SPASTIC ATAXIA 6, AUTOSOMAL RECESSIVE. Identifiers: Orphanet 98, MedGen C1849140, MONDO:0010041, OMIM 270550.

Submission:

Laboratory of Medical Genetics, National & Kapodistrian University of Athens
Classification: Likely pathogenic for Charlevoix-Saguenay spastic ataxia. Last evaluated: 2021-08-10. Review status: criteria provided, single submitter. Criteria: ACMG Guidelines, 2015. Collection method: clinical testing. Allele origin: paternal. Affected: yes.
Comment: PM2, PP2, PP3, PP5

NM_014363.6(SACS):c.1814C>T (p.Pro605Leu)

Gene: SACS (sacsin molecular chaperone; minus strand). Cytogenetic location: 13q12.12.
Variant type: single nucleotide variant.
Coding change: c.1814C>T on transcript NM_014363.6 (MANE Select); coding-DNA position 1814, C replaced by T.
Protein change: p.Pro605Leu; replaces proline 605 with leucine.
Molecular consequence: missense variant.
Genome position (GRCh38, 1-based): chr13:23,354,798, G>A on the plus strand (C>T on the coding strand, the complement: SACS is on the minus strand). VCF-style: chr13-23354798-G-A. GRCh37 (hg19) VCF-style: chr13-23928937-G-A.
Other names: c.1373C>T, p.Pro458Leu (NM_001278055.2); short protein forms P458L, P605L.
Identifiers: ClinVar variation 1299525 (VCV001299525.1), dbSNP rs2137718533, ClinGen allele CA387546326.